The following is an entry in ClinVar:

NM_006031.6(PCNT):c.4675A>T (p.Met1559Leu)

Gene: PCNT (pericentrin; plus strand). Cytogenetic location: 21q22.3.
Variant type: single nucleotide variant.
Coding change: c.4675A>T on transcript NM_006031.6 (MANE Select); coding-DNA position 4675, A replaced by T.
Protein change: p.Met1559Leu; replaces methionine 1559 with leucine.
Molecular consequence: missense variant.
Genome position (GRCh38, 1-based): chr21:46,399,680, A>T. VCF-style: chr21-46399680-A-T. GRCh37 (hg19) VCF-style: chr21-47819594-A-T.
Other names: c.4321A>T, p.Met1441Leu (NM_001315529.2); short protein forms M1559L, M1441L.
Identifiers: ClinVar variation 499448 (VCV000499448.28), dbSNP rs180775012, ClinGen allele CA10079751.
Genomic context (GRCh38, chr21:46,399,680, plus strand): 5'-AAGTTGGATGAATTTAATGAATTGGCTATACAGAAAGAGTCGGCAGATAGACAAGTGTTA[A>T]TGCAGGAAGAAGAAATTAAACGTCTGGAGGAGATGAACATCAACATCAGGAAAAAAGTGG-3'
Protein context (NP_006022.3, residues 1549-1569): QKESADRQVL[Met1559Leu]QEEEIKRLEE

ClinVar aggregate classification (germline): Conflicting classifications of pathogenicity. Review status: criteria provided, conflicting classifications (1 of 4 stars). 10 submissions from 10 submitters: Uncertain significance (4); Likely benign (3). 3 of the submissions do not count toward it. Last evaluated 2024-11-13.

Conditions:
Microcephalic osteodysplastic primordial dwarfism type II (MOPD2). Also called: Microcephalic osteodysplastic primordial dwarfism with tooth abnormalities; MOPD II; OSTEODYSPLASTIC PRIMORDIAL DWARFISM, TYPE II. Identifiers: Orphanet 2637, MedGen C0432246, MONDO:0008872, OMIM 210720.
PCNT-related disorder. Also called: PCNT-related condition.

Allele frequency attached by ClinVar (database versions not stated): ESP Exome Variant Server 0.00015; 1000 Genomes Project 0.00060; gnomAD 0.00072 and 0.00074; gnomAD exomes 0.00083 and 0.00092; ExAC 0.00087; TOPMed 0.00090; 1000 Genomes Project 30x 0.00094.

Submissions (10):

Blueprint Genetics
Classification: Likely benign. Last evaluated: 2024-11-13. Review status: criteria provided, single submitter. Criteria: ACMG Guidelines, 2015. Collection method: clinical testing. Allele origin: germline.

ARUP Laboratories, Molecular Genetics and Genomics, ARUP Laboratories
Classification: Likely benign for Microcephalic osteodysplastic primordial dwarfism type II. Last evaluated: 2023-10-26. Review status: criteria provided, single submitter. Criteria: ARUP Molecular Germline Variant Investigation Process 2024. Collection method: clinical testing. Allele origin: germline.

Labcorp Genetics (formerly Invitae), Labcorp
Classification: Uncertain significance. Last evaluated: 2022-11-01. Review status: criteria provided, single submitter. Criteria: Invitae Variant Classification Sherloc (09022015). Collection method: clinical testing. Allele origin: germline.
Comment: This sequence change replaces methionine, which is neutral and non-polar, with leucine, which is neutral and non-polar, at codon 1559 of the PCNT protein (p.Met1559Leu). This variant is present in population databases (rs180775012, gnomAD 0.2%), and has an allele count higher than expected for a pathogenic variant. This variant has not been reported in the literature in individuals affected with PCNT-related conditions. ClinVar contains an entry for this variant (Variation ID: 499448). Algorithms developed to predict the effect of missense changes on protein structure and function (SIFT, PolyPhen-2, Align-GVGD) all suggest that this variant is likely to be tolerated. Algorithms developed to predict the effect of sequence changes on RNA splicing suggest that this variant may create or strengthen a splice site. In summary, the available evidence is currently insufficient to determine the role of this variant in disease. Therefore, it has been classified as a Variant of Uncertain Significance.

GeneDx
Classification: Likely benign. Last evaluated: 2021-06-10. Review status: criteria provided, single submitter. Criteria: GeneDx Variant Classification Process June 2021. Collection method: clinical testing. Allele origin: germline. Affected: yes.

Fulgent Genetics
Classification: Uncertain significance for Microcephalic osteodysplastic primordial dwarfism type II. Last evaluated: 2018-10-31. Review status: criteria provided, single submitter. Criteria: ACMG Guidelines, 2015. Collection method: clinical testing. Allele origin: unknown.

Illumina Laboratory Services, Illumina
Classification: Uncertain significance for Microcephalic osteodysplastic primordial dwarfism type II. Last evaluated: 2018-01-13. Review status: criteria provided, single submitter. Criteria: ICSL Variant Classification Criteria 13 December 2019. Collection method: clinical testing. Allele origin: germline.

Eurofins Ntd Llc (ga)
Classification: Uncertain significance. Last evaluated: 2017-01-17. Review status: criteria provided, single submitter. Criteria: EGL Classification Definitions 2015. Collection method: clinical testing. Allele origin: germline. Observed: 3 variant alleles, 3 heterozygotes.

PreventionGenetics, part of Exact Sciences
Classification: Likely benign for PCNT-related condition. Last evaluated: 2022-04-11. Review status: no assertion criteria provided. Collection method: clinical testing. Allele origin: germline. Not counted in ClinVar's aggregate classification.
Comment: This variant is classified as likely benign based on ACMG/AMP sequence variant interpretation guidelines (Richards et al. 2015 PMID: 25741868, with internal and published modifications).

Clinical Genetics DNA and cytogenetics Diagnostics Lab, Erasmus MC, Erasmus Medical Center
Classification: Likely benign. Review status: no assertion criteria provided. Collection method: clinical testing. Allele origin: germline. Affected: yes. Study: VKGL Data-share Consensus. Not counted in ClinVar's aggregate classification.

Laboratory of Diagnostic Genome Analysis, Leiden University Medical Center (LUMC)
Classification: Likely benign. Review status: no assertion criteria provided. Collection method: clinical testing. Allele origin: germline. Affected: yes. Study: VKGL Data-share Consensus. Not counted in ClinVar's aggregate classification.